The following is an entry in ClinVar:

NM_177438.3(DICER1):c.760G>A (p.Val254Met)

Gene: DICER1 (dicer 1, ribonuclease III; minus strand). Cytogenetic location: 14q32.13.
Variant type: single nucleotide variant.
Coding change: c.760G>A on transcript NM_177438.3 (MANE Select); coding-DNA position 760, G replaced by A.
Protein change: p.Val254Met; replaces valine 254 with methionine.
Molecular consequence: missense variant.
Genome position (GRCh38, 1-based): chr14:95,126,723, C>T on the plus strand (G>A on the coding strand, the complement: DICER1 is on the minus strand). VCF-style: chr14-95126723-C-T. GRCh37 (hg19) VCF-style: chr14-95593060-C-T.
Other names: c.760G>A, p.Val254Met (NM_001195573.1, NM_001271282.3, NM_001291628.2 and 1 more transcripts); short protein forms V254M.
Identifiers: ClinVar variation 661633 (VCV000661633.17), dbSNP rs1595448254, ClinGen allele CA390887889.

ClinVar aggregate classification (germline): Uncertain significance. Review status: criteria provided, multiple submitters, no conflicts (2 of 4 stars). 2 submissions from 2 submitters: Uncertain significance (2). Last evaluated 2025-11-20.

Conditions:
DICER1-related tumor predisposition. Also called: DICER1 syndrome; DICER1-related pleuropulmonary blastoma cancer predisposition syndrome. Identifiers: Orphanet 284343, MedGen C3839822, MONDO:0100216.
Hereditary cancer-predisposing syndrome. Also called: Neoplastic Syndromes, Hereditary; Hereditary neoplastic syndrome; Tumor predisposition; Hereditary Cancer Syndrome. Identifiers: Orphanet 140162, MedGen C0027672, MeSH D009386, MONDO:0015356.

Allele frequency attached by ClinVar (database versions not stated): gnomAD exomes 0.00001.
gnomAD v4.1: 13 of 1,609,178 alleles (0.00081%); highest among the groups gnomAD compares: Non-Finnish European, 0.0011%; no homozygotes.

Submissions (2):

Ambry Genetics
Classification: Uncertain significance for Hereditary cancer-predisposing syndrome. Last evaluated: 2025-11-20. Review status: criteria provided, single submitter. Criteria: Ambry Variant Classification Scheme 2023. Collection method: clinical testing. Allele origin: germline.
Comment: The p.V254M variant (also known as c.760G>A), located in coding exon 6 of the DICER1 gene, results from a G to A substitution at nucleotide position 760. The valine at codon 254 is replaced by methionine, an amino acid with highly similar properties. This amino acid position is highly conserved in available vertebrate species. In addition, the in silico prediction for this alteration is inconclusive. Based on the available evidence, the clinical significance of this variant remains unclear.

Labcorp Genetics (formerly Invitae), Labcorp
Classification: Uncertain significance for DICER1-related tumor predisposition. Last evaluated: 2023-11-07. Review status: criteria provided, single submitter. Criteria: Invitae Variant Classification Sherloc (09022015). Collection method: clinical testing. Allele origin: germline.
Comment: This sequence change replaces valine, which is neutral and non-polar, with methionine, which is neutral and non-polar, at codon 254 of the DICER1 protein (p.Val254Met). This variant is not present in population databases (gnomAD no frequency). This variant has not been reported in the literature in individuals affected with DICER1-related conditions. ClinVar contains an entry for this variant (Variation ID: 661633). Advanced modeling of protein sequence and biophysical properties (such as structural, functional, and spatial information, amino acid conservation, physicochemical variation, residue mobility, and thermodynamic stability) performed at Invitae indicates that this missense variant is expected to disrupt DICER1 protein function with a positive predictive value of 80%. In summary, the available evidence is currently insufficient to determine the role of this variant in disease. Therefore, it has been classified as a Variant of Uncertain Significance.